The following is an entry in ClinVar:

NM_006846.4(SPINK5):c.2039_2049del (p.Lys680fs)

Gene: SPINK5 (serine peptidase inhibitor Kazal type 5; plus strand). Cytogenetic location: 5q32.
Variant type: Deletion.
Coding change: c.2039_2049del on transcript NM_006846.4 (MANE Select); coding-DNA positions 2039 to 2049, 11 bases deleted (AGAGGAAAGAA).
Protein change: p.Lys680fs; shifts the reading frame from lysine 680.
Molecular consequence: frameshift variant.
Genome position (GRCh38, 1-based): chr5:148,116,393-148,116,403, AGAGGAAAGAA deleted; deleting any 11 consecutive bases within chr5:148,116,383-148,116,403 gives the same sequence; the c. name uses the placement nearest the transcript's 3' end. VCF-style (leftmost placement, unchanged base first): chr5-148116382-TGAGGAAAGAAA-T. GRCh37 (hg19) VCF-style: chr5-147495945-TGAGGAAAGAAA-T.
Other names: c.2039_2049del, p.Lys680fs (NM_001127698.2, NM_001127699.2); short protein forms K680fs.
Identifiers: ClinVar variation 2734796 (VCV002734796.4), dbSNP rs2531776726, ClinGen allele CA2675857221.

ClinVar aggregate classification (germline): Pathogenic/Likely pathogenic. Review status: criteria provided, multiple submitters, no conflicts (2 of 4 stars). 2 submissions from 2 submitters: Pathogenic (1); Likely pathogenic (1). Last evaluated 2024-09-04.

Conditions:
SPINK5-related disorder. Also called: SPINK5-related condition.
Ichthyosis linearis circumflexa. Identifiers: MedGen C0265962, MONDO:0043106, HP:0025810.

Submissions (2):

Labcorp Genetics (formerly Invitae), Labcorp
Classification: Pathogenic for Ichthyosis linearis circumflexa. Last evaluated: 2024-09-04. Review status: criteria provided, single submitter. Criteria: Invitae Variant Classification Sherloc (09022015). Collection method: clinical testing. Allele origin: germline.
Comment: This sequence change creates a premature translational stop signal (p.Lys680Argfs*26) in the SPINK5 gene. It is expected to result in an absent or disrupted protein product. Loss-of-function variants in SPINK5 are known to be pathogenic (PMID: 11511292, 11841556). This variant is not present in population databases (gnomAD no frequency). This premature translational stop signal has been observed in individual(s) with SPINK5-related conditions (PMID: 19840201). For these reasons, this variant has been classified as Pathogenic.

Blueprint Genetics
Classification: Likely pathogenic for SPINK5-related disorders. Last evaluated: 2020-12-02. Review status: criteria provided, single submitter. Criteria: ACMG Guidelines, 2015. Collection method: clinical testing. Allele origin: germline. Affected: yes. Observed: 3 variant alleles.

Literature cited by the submitters: PubMed 11511292 (cited by Labcorp Genetics (formerly Invitae), Labcorp); PubMed 11841556 (cited by Labcorp Genetics (formerly Invitae), Labcorp); PubMed 19840201 (cited by Labcorp Genetics (formerly Invitae), Labcorp).